The following is an entry in ClinVar:

ClinVar aggregate classification (germline): Uncertain significance (1 of 4 stars; one submission).

Conditions:
Autoimmune interstitial lung disease-arthritis syndrome. Also called: Autoinflammation and autoimmunity, systemic, with immune dysregulation. Identifiers: Orphanet 444092, MedGen C5975714, MONDO:0014629.

Allele frequency attached by ClinVar (database versions not stated): gnomAD exomes below 0.00001.
gnomAD v4.1: 1 of 1,613,116 alleles (0.000062%); highest among the groups gnomAD compares: Non-Finnish European, 0.000085%; no homozygotes.

Submission:

Labcorp Genetics (formerly Invitae), Labcorp
Classification: Uncertain significance for Autoimmune interstitial lung disease-arthritis syndrome. Last evaluated: 2020-11-17. Review status: criteria provided, single submitter. Criteria: Invitae Variant Classification Sherloc (09022015). Collection method: clinical testing. Allele origin: germline.
Comment: Algorithms developed to predict the effect of missense changes on protein structure and function are either unavailable or do not agree on the potential impact of this missense change (SIFT: "Deleterious"; PolyPhen-2: "Probably Damaging"; Align-GVGD: "Class C0"). This sequence change replaces aspartic acid with asparagine at codon 113 of the COPA protein (p.Asp113Asn). The aspartic acid residue is highly conserved and there is a small physicochemical difference between aspartic acid and asparagine. This variant is not present in population databases (ExAC no frequency). This variant has not been reported in the literature in individuals with COPA-related conditions. In summary, the available evidence is currently insufficient to determine the role of this variant in disease. Therefore, it has been classified as a Variant of Uncertain Significance.

NM_004371.4(COPA):c.337G>A (p.Asp113Asn)

Gene: COPA (coat protein complex I subunit alpha; minus strand). Cytogenetic location: 1q23.2.
Variant type: single nucleotide variant.
Coding change: c.337G>A on transcript NM_004371.4 (MANE Select); coding-DNA position 337, G replaced by A.
Protein change: p.Asp113Asn; replaces aspartic acid 113 with asparagine.
Molecular consequence: missense variant.
Genome position (GRCh38, 1-based): chr1:160,333,652, C>T on the plus strand (G>A on the coding strand, the complement: COPA is on the minus strand). VCF-style: chr1-160333652-C-T. GRCh37 (hg19) VCF-style: chr1-160303442-C-T.
Other names: c.337G>A, p.Asp113Asn (NM_001098398.2); short protein forms D113N.
Identifiers: ClinVar variation 1060540 (VCV001060540.9), dbSNP rs2101873058, ClinGen allele CA343270341.